The following is an entry in ClinVar:

ClinVar aggregate classification (germline): Uncertain significance (1 of 4 stars; one submission).

Conditions:
Hereditary cancer-predisposing syndrome. Also called: Tumor predisposition; Hereditary Cancer Syndrome; Hereditary neoplastic syndrome; Neoplastic Syndromes, Hereditary. Identifiers: Orphanet 140162, MedGen C0027672, MeSH D009386, MONDO:0015356.

Submission:

Ambry Genetics
Classification: Uncertain significance for Hereditary cancer-predisposing syndrome. Last evaluated: 2025-12-22. Review status: criteria provided, single submitter. Criteria: Ambry Variant Classification Scheme 2023. Collection method: clinical testing. Allele origin: germline.
Comment: The p.E145K variant (also known as c.433G>A), located in coding exon 3 of the PRKAR1A gene, results from a G to A substitution at nucleotide position 433. The glutamic acid at codon 145 is replaced by lysine, an amino acid with similar properties. This amino acid position is highly conserved in available vertebrate species. In addition, this alteration is predicted to be deleterious by in silico analysis. Since supporting evidence is limited at this time, the clinical significance of this alteration remains unclear.

NM_002734.5(PRKAR1A):c.433G>A (p.Glu145Lys)

Gene: PRKAR1A (protein kinase cAMP-dependent type I regulatory subunit alpha; plus strand). Cytogenetic location: 17q24.2.
Variant type: single nucleotide variant.
Coding change: c.433G>A on transcript NM_002734.5 (MANE Select); coding-DNA position 433, G replaced by A.
Protein change: p.Glu145Lys; replaces glutamic acid 145 with lysine.
Molecular consequence: missense variant.
Genome position (GRCh38, 1-based): chr17:68,523,809, G>A. VCF-style: chr17-68523809-G-A. GRCh37 (hg19) VCF-style: chr17-66519950-G-A.
Other names: c.433G>A, p.Glu145Lys (NM_001276289.2, NM_001276290.1, NM_001278433.2 and 4 more transcripts); short protein forms E145K.
Identifiers: ClinVar variation 1739850 (VCV001739850.3), dbSNP rs2509405203, ClinGen allele CA400752735.